The following is an entry in ClinVar:

NM_006080.3(SEMA3A):c.1170_1172dup (p.Ser391_Thr392insSer)

Gene: SEMA3A (semaphorin 3A; minus strand). Cytogenetic location: 7q21.11.
Variant type: Duplication.
Coding change: c.1170_1172dup on transcript NM_006080.3 (MANE Select); coding-DNA positions 1170 to 1172, 3 bases duplicated (CTC; older notation c.1170_1172dupCTC).
Protein change: p.Ser391_Thr392insSer.
Molecular consequence: inframe insertion. On other transcripts: inframe indel (1).
Genome position (GRCh38, 1-based): chr7:84,005,527-84,005,529, GAG duplicated on the plus strand (CTC on the coding strand, the reverse complement: SEMA3A is on the minus strand). VCF-style (leftmost placement, unchanged base first): chr7-84005526-A-AGAG. GRCh37 (hg19) VCF-style: chr7-83634842-A-AGAG.
Other names: c.1170_1172dupCTC (NM_006080.2).
Identifiers: ClinVar variation 4982863 (VCV004982863.1).

ClinVar aggregate classification (germline): Uncertain significance (1 of 4 stars; one submission).

Conditions:
SEMA3A-related disorder. Also called: SEMA3A-related condition.

Submission:

PreventionGenetics, part of Exact Sciences
Classification: Uncertain significance for SEMA3A-related condition. Last evaluated: 2025-10-16. Review status: criteria provided, single submitter. Criteria: ACMG Guidelines, 2015. Collection method: clinical testing. Allele origin: germline.
Comment: The SEMA3A c.1170_1172dupCTC variant is predicted to result in an in-frame duplication (p.Ser391dup). To our knowledge, this variant has not been reported in the literature. This variant is reported in 0.00088% of alleles in individuals of European (Non-Finnish) descent in gnomAD. At this time, the clinical significance of this variant is uncertain due to the absence of conclusive functional and genetic evidence.